The following is an entry in ClinVar:

NM_001369268.1(ACAN):c.465C>G (p.Phe155Leu)

Gene: ACAN (aggrecan; plus strand). Cytogenetic location: 15q26.1.
Variant type: single nucleotide variant.
Coding change: c.465C>G on transcript NM_001369268.1 (MANE Select); coding-DNA position 465, C replaced by G.
Protein change: p.Phe155Leu; replaces phenylalanine 155 with leucine.
Molecular consequence: missense variant.
Genome position (GRCh38, 1-based): chr15:88,840,022, C>G. VCF-style: chr15-88840022-C-G. GRCh37 (hg19) VCF-style: chr15-89383253-C-G.
Other names: c.465C>G, p.Phe155Leu (NM_001135.4, NM_001411096.1, NM_001411097.1 and 1 more transcripts); short protein forms F155L.
Identifiers: ClinVar variation 2854036 (VCV002854036.3), dbSNP rs1447495169, ClinGen allele CA393716777.
Genomic context (GRCh38, chr15:88,840,022, plus strand): 5'-GACTGTGCCTGACCAGCTCTTCCGCTTGTGGGCGTGTATGTGTCTTGCAGGCATCGTGTT[C>G]CATTACAGAGCCATCTCTACACGCTACACCCTCGACTTTGACAGGGCGCAGCGGGCCTGC-3'
Protein context (NP_001356197.1, residues 145-165): TLEVVVKGIV[Phe155Leu]HYRAISTRYT

ClinVar aggregate classification (germline): Uncertain significance (1 of 4 stars; one submission).

Submission:

Labcorp Genetics (formerly Invitae), Labcorp
Classification: Uncertain significance. Last evaluated: 2023-08-31. Review status: criteria provided, single submitter. Criteria: Invitae Variant Classification Sherloc (09022015). Collection method: clinical testing. Allele origin: germline.
Comment: In summary, the available evidence is currently insufficient to determine the role of this variant in disease. Therefore, it has been classified as a Variant of Uncertain Significance. Advanced modeling of protein sequence and biophysical properties (such as structural, functional, and spatial information, amino acid conservation, physicochemical variation, residue mobility, and thermodynamic stability) performed at Invitae indicates that this missense variant is not expected to disrupt ACAN protein function. This variant has not been reported in the literature in individuals affected with ACAN-related conditions. This variant is not present in population databases (gnomAD no frequency). This sequence change replaces phenylalanine, which is neutral and non-polar, with leucine, which is neutral and non-polar, at codon 155 of the ACAN protein (p.Phe155Leu).